The following is an entry in ClinVar:

NC_000009.11:g.(?_137593011)_(137727056_?)del

Gene: COL5A1 (collagen type V alpha 1 chain; plus strand). Cytogenetic location: 9q34.3.
Variant type: Deletion.
Identifiers: ClinVar variation 1076742 (VCV001076742.46).

ClinVar aggregate classification (germline): Pathogenic (1 of 4 stars; one submission).

Conditions:
Ehlers-Danlos syndrome, classic type, 1 (EDSCL1). Also called: EHLERS-DANLOS SYNDROME, GRAVIS TYPE; EHLERS-DANLOS SYNDROME, SEVERE CLASSIC TYPE; EDS I; Ehlers-Danlos Syndrome, Classic Type, COL5A1-Related; Ehlers-Danlos syndrome, type 1. Identifiers: MedGen C0268335, MONDO:0019567, OMIM 130000.

Submission:

Labcorp Genetics (formerly Invitae), Labcorp
Classification: Pathogenic for Ehlers-Danlos syndrome, classic type, 1. Last evaluated: 2016-05-20. Review status: criteria provided, single submitter. Criteria: Invitae Variant Classification Sherloc (09022015). Collection method: clinical testing. Allele origin: germline.
Comment: For these reasons, this variant has been classified as Pathogenic. While this particular variant has not been reported in the literature, truncating variants in COL5A1 are known to be pathogenic (PMID: 23587214). This variant is a gross deletion of the genomic region encompassing exons 4-65 of the COL5A1 gene. This creates a premature translational stop signal and is expected to result in an absent or disrupted protein product.

Literature cited by the submitters: PubMed 23587214.